The following is an entry in ClinVar:

ClinVar aggregate classification (germline): Uncertain significance (1 of 4 stars; one submission).

Submission:

Labcorp Genetics (formerly Invitae), Labcorp
Classification: Uncertain significance. Last evaluated: 2022-08-20. Review status: criteria provided, single submitter. Criteria: Invitae Variant Classification Sherloc (09022015). Collection method: clinical testing. Allele origin: germline.
Comment: This variant has not been reported in the literature in individuals affected with GATAD2B-related conditions. In summary, the available evidence is currently insufficient to determine the role of this variant in disease. Therefore, it has been classified as a Variant of Uncertain Significance. Algorithms developed to predict the effect of missense changes on protein structure and function are either unavailable or do not agree on the potential impact of this missense change (SIFT: "Not Available"; PolyPhen-2: "Probably Damaging"; Align-GVGD: "Not Available"). This variant is not present in population databases (gnomAD no frequency). This sequence change replaces glutamine, which is neutral and polar, with lysine, which is basic and polar, at codon 405 of the GATAD2B protein (p.Gln405Lys).

NM_020699.4(GATAD2B):c.1213C>A (p.Gln405Lys)

Gene: GATAD2B (GATA zinc finger domain containing 2B; minus strand). Cytogenetic location: 1q21.3.
Variant type: single nucleotide variant.
Coding change: c.1213C>A on transcript NM_020699.4 (MANE Select); coding-DNA position 1213, C replaced by A.
Protein change: p.Gln405Lys; replaces glutamine 405 with lysine.
Molecular consequence: missense variant.
Genome position (GRCh38, 1-based): chr1:153,816,276, G>T on the plus strand (C>A on the coding strand, the complement: GATAD2B is on the minus strand). VCF-style: chr1-153816276-G-T. GRCh37 (hg19) VCF-style: chr1-153788752-G-T.
Other names: short protein forms Q405K.
Identifiers: ClinVar variation 1717188 (VCV001717188.5), dbSNP rs2525247594, ClinGen allele CA342526149.